The following is an entry in ClinVar:

ClinVar aggregate classification (germline): Uncertain significance (1 of 4 stars; one submission).

Submission:

Labcorp Genetics (formerly Invitae), Labcorp
Classification: Uncertain significance. Last evaluated: 2024-10-22. Review status: criteria provided, single submitter. Criteria: Invitae Variant Classification Sherloc (09022015). Collection method: clinical testing. Allele origin: germline.
Comment: This sequence change replaces glycine, which is neutral and non-polar, with arginine, which is basic and polar, at codon 207 of the BCL11B protein (p.Gly207Arg). This variant is not present in population databases (gnomAD no frequency). This variant has not been reported in the literature in individuals affected with BCL11B-related conditions. ClinVar contains an entry for this variant (Variation ID: 1498474). Invitae Evidence Modeling of protein sequence and biophysical properties (such as structural, functional, and spatial information, amino acid conservation, physicochemical variation, residue mobility, and thermodynamic stability) indicates that this missense variant is not expected to disrupt BCL11B protein function with a negative predictive value of 95%. In summary, the available evidence is currently insufficient to determine the role of this variant in disease. Therefore, it has been classified as a Variant of Uncertain Significance.

NM_138576.4(BCL11B):c.619G>C (p.Gly207Arg)

Gene: BCL11B (BCL11 transcription factor B; minus strand). Cytogenetic location: 14q32.2.
Variant type: single nucleotide variant.
Coding change: c.619G>C on transcript NM_138576.4 (MANE Select); coding-DNA position 619, G replaced by C.
Protein change: p.Gly207Arg; replaces glycine 207 with arginine.
Molecular consequence: missense variant. On other transcripts: intron variant (2).
Genome position (GRCh38, 1-based): chr14:99,231,366, C>G on the plus strand (G>C on the coding strand, the complement: BCL11B is on the minus strand). VCF-style: chr14-99231366-C-G. GRCh37 (hg19) VCF-style: chr14-99697703-C-G.
Other names: c.616G>C, p.Gly206Arg (NM_001282237.2); c.424+26105G>C (NM_001282238.2); c.427+26105G>C (NM_022898.3); short protein forms G207R, G206R.
Identifiers: ClinVar variation 1498474 (VCV001498474.8), dbSNP rs1888327705, ClinGen allele CA390937161.
Genomic context (GRCh38, chr14:99,231,366, plus strand): 5'-TCCCGGGGGCCCGCCCCCCACCGCGGCGTCGTCTGTTACCTGACAACTGACACTGGCATC[C>G]AAAGGGAGCCTCCGTCTGACCCTCACCCTGAGTCCCGTCACCCGAGACCGGGCGCGCGCT-3'
Protein context (NP_612808.1, residues 197-217): QGEGQTEAPF[Gly207Arg]CQCQLSGKDE